The following is an entry in ClinVar:

ClinVar aggregate classification (germline): Uncertain significance (1 of 4 stars; one submission).

Submission:

GeneDx
Classification: Uncertain significance. Last evaluated: 2023-03-09. Review status: criteria provided, single submitter. Criteria: GeneDx Variant Classification Process June 2021. Collection method: clinical testing. Allele origin: germline. Affected: yes.
Comment: Not observed at significant frequency in large population cohorts (gnomAD); In silico analysis supports that this missense variant has a deleterious effect on protein structure/function; Has not been previously published as pathogenic or benign to our knowledge

NM_001384732.1(CPLANE1):c.3983C>G (p.Ala1328Gly)

Gene: CPLANE1 (ciliogenesis and planar polarity effector complex subunit 1; minus strand). Cytogenetic location: 5p13.2.
Variant type: single nucleotide variant.
Coding change: c.3983C>G on transcript NM_001384732.1 (MANE Select); coding-DNA position 3983, C replaced by G.
Protein change: p.Ala1328Gly; replaces alanine 1328 with glycine.
Molecular consequence: missense variant.
Genome position (GRCh38, 1-based): chr5:37,187,511, G>C on the plus strand (C>G on the coding strand, the complement: CPLANE1 is on the minus strand). VCF-style: chr5-37187511-G-C. GRCh37 (hg19) VCF-style: chr5-37187613-G-C.
Other names: c.3983C>G, p.Ala1328Gly (NM_023073.4); short protein forms A1328G.
Identifiers: ClinVar variation 2579374 (VCV002579374.1), dbSNP rs2547896343, ClinGen allele CA359506153.